The following is an entry in ClinVar:

NM_014712.3(SETD1A):c.3752T>C (p.Val1251Ala)

Gene: SETD1A (SET domain containing 1A, histone lysine methyltransferase; plus strand). Cytogenetic location: 16p11.2.
Variant type: single nucleotide variant.
Coding change: c.3752T>C on transcript NM_014712.3 (MANE Select); coding-DNA position 3752, T replaced by C.
Protein change: p.Val1251Ala; replaces valine 1251 with alanine.
Molecular consequence: missense variant.
Genome position (GRCh38, 1-based): chr16:30,979,538, T>C. VCF-style: chr16-30979538-T-C. GRCh37 (hg19) VCF-style: chr16-30990859-T-C.
Other names: p.Val1251Ala; short protein forms V1251A.
Identifiers: ClinVar variation 3064278 (VCV003064278.2), dbSNP rs2543902525, ClinGen allele CA395627873.

ClinVar aggregate classification (germline): Uncertain significance (1 of 4 stars; one submission).

Conditions:
Neurodevelopmental disorder with speech impairment and dysmorphic facies. Identifiers: MedGen C5436699, MONDO:0033630, OMIM 619056.

Submission:

Foundation for Research in Genetics and Endocrinology, FRIGE's Institute of Human Genetics
Classification: Uncertain significance for Neurodevelopmental disorder with speech impairment and dysmorphic facies. Last evaluated: 2024-03-22. Review status: criteria provided, single submitter. Criteria: ACMG Guidelines, 2015. Collection method: clinical testing. Allele origin: germline. Inheritance: Autosomal dominant inheritance. Affected: yes. Observed: 1 heterozygote.
Comment: A heterozygous missense variant in exon 14 of the SETD1A gene that results in the amino acid substitution of Alanine for Valine at codon 1251 (p.Val1251Ala) was detected. The variant has not been reported in the 1000 genomes, gnomAD (v3.1), gnomdAD (v2.1), topmed databases. The in-silico prediction of the variant is. The reference codon is conserved across species. In summary, the variant meets our criteria to be classified as variant of uncertain significance.